The following is an entry in ClinVar:

ClinVar aggregate classification (germline): Pathogenic/Likely pathogenic. Review status: criteria provided, multiple submitters, no conflicts (2 of 4 stars). 12 submissions from 12 submitters: Pathogenic (10); Likely pathogenic (1). 1 of the submissions does not count toward it. Last evaluated 2025-10-23.

Conditions:
Isolated thoracic aortic aneurysm.
Marfan syndrome (MFS). Also called: MARFAN SYNDROME, TYPE I; FBN1-Related Marfan Syndrome; Marfan syndrome, classic; Marfan syndrome type 1; Marfan's syndrome. Identifiers: Orphanet 284963, Orphanet 558, MedGen C0024796, MONDO:0007947, OMIM 154700.
Familial thoracic aortic aneurysm and aortic dissection (TAAD). Also called: Thoracic aortic aneurysms and dissections. Identifiers: Orphanet 91387, MedGen C4707243, MONDO:0019625.
Marfan Syndrome/Loeys-Dietz Syndrome/Familial Thoracic Aortic Aneurysms and Dissections. Identifiers: MedGen CN229799.
FBN1-related disorder. Also called: FBN1-related disorders.

Allele frequency attached by ClinVar (database versions not stated): ExAC 0.00001.
gnomAD v4.1: 1 of 1,614,062 alleles (0.000062%); highest among the groups gnomAD compares: Non-Finnish European, 0.000085%; no homozygotes.

Submissions 1 to 10 of 12:

Labcorp Genetics (formerly Invitae), Labcorp
Classification: Pathogenic for Marfan syndrome; Familial thoracic aortic aneurysm and aortic dissection. Last evaluated: 2025-10-23. Review status: criteria provided, single submitter. Criteria: Invitae Variant Classification Sherloc (09022015). Collection method: clinical testing. Allele origin: germline.
Comment: This sequence change creates a premature translational stop signal (p.Arg1644*) in the FBN1 gene. It is expected to result in an absent or disrupted protein product. Loss-of-function variants in FBN1 are known to be pathogenic (PMID: 17657824, 19293843). This variant is not present in population databases (gnomAD no frequency). This premature translational stop signal has been observed in individual(s) with Marfan syndrome (PMID: 11700157, 14695540, 16222657, 19159394, 24199744). In at least one individual the variant was observed to be de novo. ClinVar contains an entry for this variant (Variation ID: 200186). Algorithms developed to predict the effect of sequence changes on RNA splicing suggest that this variant may disrupt the consensus splice site. For these reasons, this variant has been classified as Pathogenic.

PreventionGenetics, part of Exact Sciences
Classification: Pathogenic for FBN1-related condition. Last evaluated: 2025-04-22. Review status: criteria provided, single submitter. Criteria: ACMG Guidelines, 2015. Collection method: clinical testing. Allele origin: germline.
Comment: The FBN1 c.4930C>T variant is predicted to result in premature protein termination (p.Arg1644*). This variant has been reported to be causative for Marfan syndrome (Loeys et al. 2001. PubMed ID: 11700157; Biggin et al. 2004. PubMed ID: 14695540; Arbustini et al. 2005. PubMed ID: 16222657; supplementary data, Gentilini et al. 2019. PubMed ID: 31536524) and has been documented to have occurred de novo (Söylen et al. 2009. PubMed ID: 19159394; supplementary data, Li et al. 2019. PubMed ID: 31098894). Patient-derived fibroblast culture showed reduced fibrillin protein synthesis (Table 1, Schrijver et al. 2002. PubMed ID: 12068374). This variant has not been reported in a large population database, indicating this variant is rare. Nonsense variants in FBN1 are expected to be pathogenic. This variant is interpreted as pathogenic.

3billion
Classification: Pathogenic for Marfan syndrome. Last evaluated: 2024-12-31. Review status: criteria provided, single submitter. Criteria: ACMG Guidelines, 2015. Collection method: clinical testing. Allele origin: germline. Affected: yes.
Comment: The variant is observed at an extremely low frequency in the gnomAD v4.1.0 dataset (total allele frequency: <0.001%). Predicted Consequence/Location: Stop-gained (nonsense): predicted to result in a loss or disruption of normal protein function through nonsense-mediated decay (NMD) or protein truncation. Multiple pathogenic variants are reported downstream of the variant. The variant has been reported at least twice as pathogenic with clinical assertions and evidence for the classification (ClinVar ID: VCV000200186 /PMID: 11700157). Therefore, this variant is classified as Pathogenic according to the recommendation of ACMG/AMP guideline.

Blueprint Genetics
Classification: Pathogenic for FBN1-related disorders. Last evaluated: 2024-05-02. Review status: criteria provided, single submitter. Criteria: ACMG Guidelines, 2015. Collection method: clinical testing. Allele origin: germline. Affected: yes. Observed: 3 variant alleles.

Color Diagnostics, LLC DBA Color Health
Classification: Pathogenic for Familial thoracic aortic aneurysm and aortic dissection. Last evaluated: 2022-07-11. Review status: criteria provided, single submitter. Criteria: ACMG Guidelines, 2015. Collection method: clinical testing. Allele origin: germline.
Comment: This variant changes 1 nucleotide in exon 40 of the FBN1 gene, creating a premature translation stop signal. This variant is expected to result in an absent or non-functional protein product. This variant has been reported in over ten unrelated individuals affected with Marfan syndrome or related diseases (PMID: 11700157, 12068374, 17663468, 19839986, 24199744, 25652356, 25656438, 29768367, 31098894, 31536524). This variant has not been identified in the general population by the Genome Aggregation Database (gnomAD). Loss of FBN1 function is a known mechanism of disease. Based on the available evidence, this variant is classified as Pathogenic.

Centre of Medical Genetics, University of Antwerp
Classification: Pathogenic for Marfan syndrome. Last evaluated: 2021-03-01. Review status: criteria provided, single submitter. Criteria: Submitter's publication. Collection method: research. Allele origin: unknown. Affected: yes.
Comment: PM2, PVS1, PP4

Ambry Genetics
Classification: Pathogenic for Familial thoracic aortic aneurysm and aortic dissection. Last evaluated: 2020-06-30. Review status: criteria provided, single submitter. Criteria: Ambry Variant Classification Scheme 2023. Collection method: clinical testing. Allele origin: germline.
Comment: The p.R1644* pathogenic mutation (also known as c.4930C>T), located in coding exon 39 of the FBN1 gene, results from a C to T substitution at nucleotide position 4930. This changes the amino acid from an arginine to a stop codon within coding exon 39, located in the cbEGF-like #23 domain. This mutation has been reported as de novo in several patients with classic Marfan syndrome (Arbustini E et al. Hum. Mutat., 2005 Nov;26:494; S&ouml;ylen B et al. Clin. Genet., 2009 Mar;75:265-70; Li J et al. Sci China Life Sci, 2019 Dec;62:1630-1637). This recurrent mutation has also been reported in familial cases (Rand-Hendriksen S et al. Am J Med Genet A. 2007;143A(17):1968-77; Pees C et al. Clin Genet. 2014;86(6):552-7, Hung CC et al. Ann. Hum. Genet., 2009 Nov;73:559-67), as well as detected in several Marfan syndrome patients in our laboratory (Ambry internal data). In addition to the clinical data, premature stop codons are typically deleterious in nature, as they are expected to result in loss of function by premature protein truncation or nonsense-mediated mRNA decay, and in fact, quantitative assay for this mutation has shown reduced fibrillin synthesis and reduction of extracellular matrix deposition compared to normal control values (Schrijver I et al. Am J Hum Genet. 2002;71(2):223-37). Based on the supporting evidence, this alteration is interpreted as a disease-causing mutation.

Department of Vascular Biology, Beijing Anzhen Hospital
Classification: Likely pathogenic for Isolated thoracic aortic aneurysm. Last evaluated: 2018-09-01. Review status: criteria provided, single submitter. Criteria: ACMG Guidelines, 2015. Collection method: research. Allele origin: germline. Affected: yes.

Women's Health and Genetics/Laboratory Corporation of America, LabCorp
Classification: Pathogenic for Marfan Syndrome/Loeys-Dietz Syndrome/Familial Thoracic Aortic Aneurysms and Dissections. Last evaluated: 2018-02-26. Review status: criteria provided, single submitter. Criteria: LabCorp Variant Classification Summary - May 2015. Collection method: clinical testing. Allele origin: germline.
Comment: Variant summary: FBN1 c.4930C>T (p.Arg1644X) results in a premature termination codon, predicted to cause a truncation of the encoded protein or absence of the protein due to nonsense mediated decay, which are commonly known mechanisms for disease. The variant allele was found at a frequency of 2e-05 in 247204 control chromosomes. This frequency is not significantly higher than expected for a pathogenic variant in FBN1 causing Marfan Syndrome (2e-05 vs 0.00011), allowing no conclusion about variant significance. c.4930C>T has been reported in the literature in multiple individuals affected with Marfan Syndrome (Biggin 2004, Hung 2009, Loeys 2001, Pees 2013, Rand-Hendriksen 2007, Schrijver 2002, Stheneur 2009, Franken 2016) including two de novo cases (Arbustini 2005, Soylen 2009), though paternity were not confirmed. These data indicate that the variant is very likely to be associated with disease. At least one publication reports experimental evidence evaluating an impact on protein function (Schrijver 2002). The most pronounced variant effect results in 10%-<30% of normal activity. Two clinical diagnostic laboratories have submitted clinical-significance assessments for this variant to ClinVar after 2014 without evidence for independent evaluation and both of them classified the variant as pathogenic. Based on the evidence outlined above, the variant was classified as pathogenic.

ARUP Laboratories, Molecular Genetics and Genomics, ARUP Laboratories
Classification: Pathogenic. Last evaluated: 2017-10-01. Review status: criteria provided, single submitter. Criteria: ARUP Molecular Germline Variant Investigation Process. Collection method: clinical testing. Allele origin: germline.
Comment: The FBN1 c.4930C>T, p.Arg1644Ter variant (rs140630) has been reported in multiple individuals diagnosed with Marfan syndrome (Biggin 2004, Hung 2009, Loeys 2001, Schrijver 2002), and has been found as a de-novo alteration (Soylen 2009) or segregating with affected individuals in familial cases (Rand-Hendriksen 2007). RNA analysis of patient cells show no detectable transcripts generated from the variant allele, suggesting that the variant mRNA is subjected to nonsense mediated decay (Schrijver 2002). The variant is listed as pathogenic in ClinVar (Variation ID: 200186), and not observed in the general population databases (1000 Genomes Project, Exome Variant Server, Genome Aggregation Database). Based on the above information, the p.Arg1644Ter variant is classified as pathogenic.

NM_000138.5(FBN1):c.4930C>T (p.Arg1644Ter)

Gene: FBN1 (fibrillin 1; minus strand). Cytogenetic location: 15q21.1.
Variant type: single nucleotide variant.
Coding change: c.4930C>T on transcript NM_000138.5 (MANE Select); coding-DNA position 4930, C replaced by T.
Protein change: p.Arg1644Ter; replaces arginine 1644 with a stop codon.
Molecular consequence: nonsense.
Genome position (GRCh38, 1-based): chr15:48,465,580, G>A on the plus strand (C>T on the coding strand, the complement: FBN1 is on the minus strand). VCF-style: chr15-48465580-G-A. GRCh37 (hg19) VCF-style: chr15-48757777-G-A.
Other names: p.R1644X:CGA>TGA; short protein forms R1644*.
Identifiers: ClinVar variation 200186 (VCV000200186.48), dbSNP rs140630, ClinGen allele CA015467.